The following is an entry in ClinVar:

ClinVar aggregate classification (germline): Pathogenic (1 of 4 stars; one submission).

Conditions:
Neurodegeneration with brain iron accumulation 5 (NBIA5). Also called: Beta-propeller protein-associated neurodegeneration; STATIC ENCEPHALOPATHY OF CHILDHOOD WITH NEURODEGENERATION IN ADULTHOOD. Identifiers: Orphanet 329284, MedGen C3550973, MONDO:0010476, OMIM 300894.

Submission:

Labcorp Genetics (formerly Invitae), Labcorp
Classification: Pathogenic for Neurodegeneration with brain iron accumulation 5. Last evaluated: 2022-04-12. Review status: criteria provided, single submitter. Criteria: Invitae Variant Classification Sherloc (09022015). Collection method: clinical testing. Allele origin: germline.
Comment: Algorithms developed to predict the effect of sequence changes on RNA splicing suggest that this variant may disrupt the consensus splice site. For these reasons, this variant has been classified as Pathogenic. This variant disrupts a region of the WDR45 protein in which other variant(s) (p.Glu347Glyfs*7) have been determined to be pathogenic (PMID: 31332960). This suggests that this is a clinically significant region of the protein, and that variants that disrupt it are likely to be disease-causing. This variant has not been reported in the literature in individuals affected with WDR45-related conditions. This variant is not present in population databases (gnomAD no frequency). This sequence change creates a premature translational stop signal (p.Gln290Thrfs*37) in the WDR45 gene. While this is not anticipated to result in nonsense mediated decay, it is expected to disrupt the last 72 amino acid(s) of the WDR45 protein.

Literature cited by the submitters: PubMed 31332960.

NM_001029896.2(WDR45):c.865_874del (p.Gln289fs)

Gene: WDR45 (WD repeat domain 45; minus strand). Cytogenetic location: Xp11.23.
Variant type: Deletion.
Coding change: c.865_874del on transcript NM_001029896.2 (MANE Select); coding-DNA positions 865 to 874, 10 bases deleted (CAGTACGTGG; older notation c.865_874delCAGTACGTGG).
Protein change: p.Gln289fs; shifts the reading frame from glutamine 289.
Molecular consequence: frameshift variant.
Genome position (GRCh38, 1-based): chrX:49,075,235-49,075,244, CCACGTACTG deleted on the plus strand (CAGTACGTGG on the coding strand, the reverse complement: WDR45 is on the minus strand); deleting any 10 consecutive bases within chrX:49,075,235-49,075,246 gives the same sequence; the c. name uses the placement nearest the transcript's 3' end. VCF-style (leftmost placement, unchanged base first): chrX-49075234-TCCACGTACTG-T. GRCh37 (hg19) VCF-style: chrX-48932893-TCCACGTACTG-T.
Other names: c.868_877del, p.Gln290fs (NM_007075.4); short protein forms Q289fs, Q290fs.
Identifiers: ClinVar variation 2125781 (VCV002125781.4), dbSNP rs2520260298, ClinGen allele CA2580101068.